The following is an entry in ClinVar:

ClinVar aggregate classification (germline): Likely benign (1 of 4 stars; one submission).

Allele frequency attached by ClinVar (database versions not stated): gnomAD exomes below 0.00001 and 0.00002; TOPMed below 0.00001.

Submission:

GeneDx
Classification: Likely benign. Last evaluated: 2017-04-20. Review status: criteria provided, single submitter. Criteria: GeneDx Variant Classification (06012015). Collection method: clinical testing. Allele origin: germline. Affected: yes.
Comment: This variant is considered likely benign or benign based on one or more of the following criteria: it is a conservative change, it occurs at a poorly conserved position in the protein, it is predicted to be benign by multiple in silico algorithms, and/or has population frequency not consistent with disease.

NM_000925.4(PDHB):c.205-17T>C

Gene: PDHB (pyruvate dehydrogenase E1 subunit beta; minus strand). Cytogenetic location: 3p14.3.
Variant type: single nucleotide variant.
Coding change: c.205-17T>C on transcript NM_000925.4 (MANE Select); 17 bases into the intron before coding-DNA position 205, T replaced by C.
Molecular consequence: intron variant.
Genome position (GRCh38, 1-based): chr3:58,431,810, A>G on the plus strand (T>C on the coding strand, the complement: PDHB is on the minus strand). VCF-style: chr3-58431810-A-G. GRCh37 (hg19) VCF-style: chr3-58417537-A-G.
Other names: c.151-17T>C (NM_001315536.2); c.205-17T>C (NM_001173468.2).
Identifiers: ClinVar variation 517849 (VCV000517849.1), dbSNP rs1270039732, ClinGen allele CA543261763.